The following is an entry in ClinVar:

NM_006231.4(POLE):c.2711del (p.Gly904fs)

Gene: POLE (DNA polymerase epsilon, catalytic subunit; minus strand). Cytogenetic location: 12q24.33.
Variant type: Deletion.
Coding change: c.2711del on transcript NM_006231.4 (MANE Select); coding-DNA position 2711, one base deleted (G; older notation c.2711delG).
Protein change: p.Gly904fs; shifts the reading frame from glycine 904.
Molecular consequence: frameshift variant.
Genome position (GRCh38, 1-based): chr12:132,661,680, C deleted on the plus strand (G on the coding strand, the reverse complement: POLE is on the minus strand); the first of 2 consecutive C bases (chr12:132,661,680-132,661,681); deleting either gives the same sequence. VCF-style (leftmost placement, unchanged base first): chr12-132661679-GC-G. GRCh37 (hg19) VCF-style: chr12-133238265-GC-G.
Other names: short protein forms G904fs.
Identifiers: ClinVar variation 4690224 (VCV004690224.1).

ClinVar aggregate classification (germline): Likely pathogenic (1 of 4 stars; one submission).

Conditions:
Colorectal cancer, susceptibility to, 12 (CRCS12). Also called: COLORECTAL CANCER, SUSCEPTIBILITY TO, ON CHROMOSOME 12q24. Identifiers: Orphanet 220460, MedGen C3554460, MONDO:0014038, OMIM 615083.

Submission:

EVOGEN
Classification: Likely pathogenic for Colorectal cancer, susceptibility to, 12. Last evaluated: 2025-02-28. Review status: criteria provided, single submitter. Criteria: ACMG Guidelines, 2015. Collection method: clinical testing. Allele origin: germline. Affected: no.
Comment: PVS1: Null variant (frame-shift) in gene POLE, predicted to cause NMD. Loss-of-function is a known mechanism of disease (gene has 452 reported pathogenic LOF variants). The exon contains 11 pathogenic variants. The truncated region contains 256 pathogenic variants. PM2: Variant not found in gnomAD genomes, good gnomAD genomes coverage = 31.8. Variant not found in gnomAD exomes, good gnomAD exomes coverage = 31.9. Moscow City Health Department financial support